The following is an entry in ClinVar:

ClinVar aggregate classification (germline): Uncertain significance. Review status: criteria provided, multiple submitters, no conflicts (2 of 4 stars). 2 submissions from 2 submitters: Uncertain significance (2). Last evaluated 2026-02-03.

Conditions:
Cardiovascular phenotype. Identifiers: MedGen CN230736.

Allele frequency attached by ClinVar (database versions not stated): ExAC 0.00002; gnomAD exomes 0.00001.
gnomAD v4.1: 5 of 1,614,132 alleles (0.00031%); highest among the groups gnomAD compares: Non-Finnish European, 0.00034%; no homozygotes.

Submissions (2):

Labcorp Genetics (formerly Invitae), Labcorp
Classification: Uncertain significance. Last evaluated: 2026-02-03. Review status: criteria provided, single submitter. Criteria: Invitae Variant Classification Sherloc (09022015). Collection method: clinical testing. Allele origin: germline.
Comment: This sequence change replaces proline, which is neutral and non-polar, with leucine, which is neutral and non-polar, at codon 944 of the ALPK3 protein (p.Pro944Leu). This variant is present in population databases (rs753733342, gnomAD 0.003%). This variant has not been reported in the literature in individuals affected with ALPK3-related conditions. ClinVar contains an entry for this variant (Variation ID: 1478461). Invitae Evidence Modeling of protein sequence and biophysical properties (such as structural, functional, and spatial information, amino acid conservation, physicochemical variation, residue mobility, and thermodynamic stability) indicates that this missense variant is not expected to disrupt ALPK3 protein function with a negative predictive value of 80%. In summary, the available evidence is currently insufficient to determine the role of this variant in disease. Therefore, it has been classified as a Variant of Uncertain Significance.

Ambry Genetics
Classification: Uncertain significance for Cardiovascular phenotype. Last evaluated: 2025-02-04. Review status: criteria provided, single submitter. Criteria: Ambry Variant Classification Scheme 2023. Collection method: clinical testing. Allele origin: germline.

NM_020778.5(ALPK3):c.2225C>T (p.Pro742Leu)

Gene: ALPK3 (alpha kinase 3; plus strand). Cytogenetic location: 15q25.3.
Variant type: single nucleotide variant.
Coding change: c.2225C>T on transcript NM_020778.5 (MANE Select); coding-DNA position 2225, C replaced by T.
Protein change: p.Pro742Leu; replaces proline 742 with leucine.
Molecular consequence: missense variant.
Genome position (GRCh38, 1-based): chr15:84,856,963, C>T. VCF-style: chr15-84856963-C-T. GRCh37 (hg19) VCF-style: chr15-85400194-C-T.
Other names: c.2831C>T (NM_020778.4); short protein forms P742L.
Identifiers: ClinVar variation 1478461 (VCV001478461.7), dbSNP rs753733342, ClinGen allele CA7709366.
Genomic context (GRCh38, chr15:84,856,963, plus strand): 5'-GTCAGTCTGAGCAAGAGGTGGCAACCAGCCTCGGCCCACCATCCAGAACCCCCAAACTCC[C>T]ACCTACAGCGGGTCCTAGAGCTCCTCTGAATATTGAATGTTTTGTACAGACCCCAGAAGG-3'
Protein context (NP_065829.4, residues 732-752): LGPPSRTPKL[Pro742Leu]PTAGPRAPLN